The following is an entry in ClinVar:

NM_000264.5(PTCH1):c.2467C>T (p.His823Tyr)

Genes: PTCH1 (patched 1; minus strand), LOC100507346 (uncharacterized LOC100507346; plus strand). Cytogenetic location: 9q22.32.
Variant type: single nucleotide variant.
Coding change: c.2467C>T on transcript NM_000264.5 (MANE Select); coding-DNA position 2467, C replaced by T.
Protein change: p.His823Tyr; replaces histidine 823 with tyrosine.
Molecular consequence: missense variant. On other transcripts: non-coding transcript variant (2).
Genome position (GRCh38, 1-based): chr9:95,467,209, G>A on the plus strand (C>T on the coding strand, the complement: PTCH1 is on the minus strand). VCF-style: chr9-95467209-G-A. GRCh37 (hg19) VCF-style: chr9-98229491-G-A.
Other names: c.2269C>T, p.His757Tyr (NM_001083602.3); c.2464C>T, p.His822Tyr (NM_001083603.3); c.2014C>T, p.His672Tyr (NM_001083604.3, NM_001083605.3, NM_001083606.3 and 1 more transcripts); c.2311C>T, p.His771Tyr (NM_001354918.2); short protein forms H672Y, H757Y, H822Y, H771Y, H823Y.
Identifiers: ClinVar variation 1397983 (VCV001397983.13), dbSNP rs370915763, ClinGen allele CA5138397.
Genomic context (GRCh38, chr9:95,467,209, plus strand): 5'-TTTTGGGAAGCTGTTTGTTTTCTTCCAACATGACATACTTCACGTTACTGAAACTCCTGT[G>A]TAGGTCGTAAAGTAAGTGCTGGATATTCGGGTAGTCTGCTTTCTGGGTGACTATATACAT-3'
Protein context (NP_000255.2, residues 813-833): PNIQHLLYDL[His823Tyr]RSFSNVKYVM

ClinVar aggregate classification (germline): Conflicting classifications of pathogenicity. Review status: criteria provided, conflicting classifications (1 of 4 stars). 3 submissions from 3 submitters: Uncertain significance (2); Likely benign (1). Last evaluated 2025-10-29.

Conditions:
Hereditary cancer-predisposing syndrome. Also called: Neoplastic Syndromes, Hereditary; Hereditary neoplastic syndrome; Hereditary Cancer Syndrome; Tumor predisposition. Identifiers: Orphanet 140162, MedGen C0027672, MeSH D009386, MONDO:0015356.
Gorlin syndrome. Also called: Nevoid Basal Cell Carcinoma Syndrome; Basal cell nevus syndrome. Identifiers: Orphanet 377, MedGen C0004779, MONDO:0007187.

Allele frequency attached by ClinVar (database versions not stated): gnomAD exomes below 0.00001 and 0.00001; ExAC 0.00001; gnomAD 0.00001; TOPMed 0.00002; ESP Exome Variant Server 0.00008.
gnomAD v4.1: 5 of 1,614,088 alleles (0.00031%); highest among the groups gnomAD compares: African/African-American, 0.0053%; no homozygotes.

Submissions (3):

Labcorp Genetics (formerly Invitae), Labcorp
Classification: Likely benign for Gorlin syndrome. Last evaluated: 2025-10-29. Review status: criteria provided, single submitter. Criteria: Invitae Variant Classification Sherloc (09022015). Collection method: clinical testing. Allele origin: germline.

Ambry Genetics
Classification: Uncertain significance for Hereditary cancer-predisposing syndrome. Last evaluated: 2024-12-08. Review status: criteria provided, single submitter. Criteria: Ambry Variant Classification Scheme 2023. Collection method: clinical testing. Allele origin: germline.
Comment: The p.H823Y variant (also known as c.2467C>T), located in coding exon 15 of the PTCH1 gene, results from a C to T substitution at nucleotide position 2467. The histidine at codon 823 is replaced by tyrosine, an amino acid with similar properties. This amino acid position is conserved. In addition, the in silico prediction for this alteration is inconclusive. Since supporting evidence is limited at this time, the clinical significance of this alteration remains unclear.

GeneDx
Classification: Uncertain significance. Last evaluated: 2022-06-09. Review status: criteria provided, single submitter. Criteria: GeneDx Variant Classification Process June 2021. Collection method: clinical testing. Allele origin: germline. Affected: yes.
Comment: Not observed at significant frequency in large population cohorts (gnomAD); In silico analysis supports that this missense variant has a deleterious effect on protein structure/function; Has not been previously published as pathogenic or benign to our knowledge; This variant is associated with the following publications: (PMID: 8906794)